The following is an entry in ClinVar:

ClinVar aggregate classification (germline): Benign/Likely benign. Review status: criteria provided, multiple submitters, no conflicts (2 of 4 stars). 3 submissions from 3 submitters: Benign (1); Likely benign (2). Last evaluated 2026-01-26.

Conditions:
HERC1-related disorder. Also called: HERC1-related condition.

Allele frequency attached by ClinVar (database versions not stated): 1000 Genomes Project 0.00100; 1000 Genomes Project 30x 0.00109; ESP Exome Variant Server 0.00109; gnomAD 0.00140; TOPMed 0.00140.
gnomAD v4.1: 437 of 1,612,044 alleles (0.027%); highest among the groups gnomAD compares: African/African-American, 0.47%; 1 homozygote.

Submissions (3):

Labcorp Genetics (formerly Invitae), Labcorp
Classification: Benign. Last evaluated: 2026-01-26. Review status: criteria provided, single submitter. Criteria: Invitae Variant Classification Sherloc (09022015). Collection method: clinical testing. Allele origin: germline.

PreventionGenetics, part of Exact Sciences
Classification: Likely benign for HERC1-related condition. Last evaluated: 2024-10-29. Review status: criteria provided, single submitter. Criteria: ACMG Guidelines, 2015. Collection method: clinical testing. Allele origin: germline.
Comment: This variant is classified as likely benign based on ACMG/AMP sequence variant interpretation guidelines (Richards et al. 2015 PMID: 25741868, with internal and published modifications).

CeGaT Center for Human Genetics Tuebingen
Classification: Likely benign. Last evaluated: 2022-05-01. Review status: criteria provided, single submitter. Criteria: CeGaT Center For Human Genetics Tuebingen Variant Classification Criteria Version 2. Collection method: clinical testing. Allele origin: germline. Affected: yes. Observed: 1 variant allele.
Comment: HERC1: BP4

NM_003922.4(HERC1):c.6057C>T (p.Gly2019=)

Gene: HERC1 (HECT and RLD domain containing E3 ubiquitin protein ligase family member 1; minus strand). Cytogenetic location: 15q22.31.
Variant type: single nucleotide variant.
Coding change: c.6057C>T on transcript NM_003922.4 (MANE Select); coding-DNA position 6057, C replaced by T.
Protein change: p.Gly2019=; no amino-acid change (glycine 2019 retained).
Molecular consequence: synonymous variant.
Genome position (GRCh38, 1-based): chr15:63,686,527, G>A on the plus strand (C>T on the coding strand, the complement: HERC1 is on the minus strand). VCF-style: chr15-63686527-G-A. GRCh37 (hg19) VCF-style: chr15-63978726-G-A.
Identifiers: ClinVar variation 746679 (VCV000746679.33), dbSNP rs201690555, ClinGen allele CA7605400.